The following is an entry in ClinVar:

ClinVar aggregate classification (germline): Uncertain significance. Review status: criteria provided, multiple submitters, no conflicts (2 of 4 stars). 2 submissions from 2 submitters: Uncertain significance (2). Last evaluated 2025-06-29.

Conditions:
Primary ciliary dyskinesia. Also called: Ciliary dyskinesia. Identifiers: Orphanet 244, MedGen C0008780, MONDO:0016575, HP:0012265.
Primary ciliary dyskinesia 23 (CILD23). Also called: CILIARY DYSKINESIA, PRIMARY, 23, WITH OR WITHOUT SITUS INVERSUS. Identifiers: Orphanet 244, MedGen C3809548, MONDO:0014193, OMIM 615451.

Allele frequency attached by ClinVar (database versions not stated): gnomAD 0.00001; gnomAD exomes 0.00001; TOPMed 0.00001.
gnomAD v4.1: 5 of 1,609,298 alleles (0.00031%); highest among the groups gnomAD compares: African/African-American, 0.0013%; no homozygotes.

Submissions (2):

Ambry Genetics
Classification: Uncertain significance for Primary ciliary dyskinesia. Last evaluated: 2025-06-29. Review status: criteria provided, single submitter. Criteria: Ambry Variant Classification Scheme 2023. Collection method: clinical testing. Allele origin: germline.

Labcorp Genetics (formerly Invitae), Labcorp
Classification: Uncertain significance for Primary ciliary dyskinesia 23. Last evaluated: 2022-05-02. Review status: criteria provided, single submitter. Criteria: Invitae Variant Classification Sherloc (09022015). Collection method: clinical testing. Allele origin: germline.
Comment: In summary, the available evidence is currently insufficient to determine the role of this variant in disease. Therefore, it has been classified as a Variant of Uncertain Significance. Algorithms developed to predict the effect of missense changes on protein structure and function are either unavailable or do not agree on the potential impact of this missense change (SIFT: "Deleterious"; PolyPhen-2: "Possibly Damaging"; Align-GVGD: "Class C0"). This variant has not been reported in the literature in individuals affected with ARMC4-related conditions. This variant is present in population databases (no rsID available, gnomAD 0.007%). This sequence change replaces aspartic acid, which is acidic and polar, with glycine, which is neutral and non-polar, at codon 433 of the ARMC4 protein (p.Asp433Gly).

NM_018076.5(ODAD2):c.1298A>G (p.Asp433Gly)

Gene: ODAD2 (outer dynein arm docking complex subunit 2; minus strand). Cytogenetic location: 10p12.1.
Variant type: single nucleotide variant.
Coding change: c.1298A>G on transcript NM_018076.5 (MANE Select); coding-DNA position 1298, A replaced by G.
Protein change: p.Asp433Gly; replaces aspartic acid 433 with glycine.
Molecular consequence: missense variant. On other transcripts: 5 prime UTR variant (1).
Genome position (GRCh38, 1-based): chr10:27,961,656, T>C on the plus strand (A>G on the coding strand, the complement: ODAD2 is on the minus strand). VCF-style: chr10-27961656-T-C. GRCh37 (hg19) VCF-style: chr10-28250585-T-C.
Other names: c.1298A>G (NM_018076.2); c.1298A>G, p.Asp433Gly (NM_001290020.2); c.-128A>G (NM_001290021.2); c.374A>G, p.Asp125Gly (NM_001312689.2); short protein forms D125G, D433G.
Identifiers: ClinVar variation 2077021 (VCV002077021.5), dbSNP rs1209461313, ClinGen allele CA376394803.